The following is an entry in ClinVar:

ClinVar aggregate classification (germline): Benign/Likely benign. Review status: criteria provided, multiple submitters, no conflicts (2 of 4 stars). 8 submissions from 8 submitters: Benign (3); Likely benign (3). 2 of the submissions do not count toward it. Last evaluated 2026-02-04.

Conditions:
Oto-palato-digital syndrome, type II (OPD2). Also called: FACIOPALATOOSSEOUS SYNDROME; Otopalatodigital Syndrome, Type II; Otopalatodigital Syndrome Type 2 (FLNA-OPD2); OPD II SYNDROME. Identifiers: Orphanet 669, Orphanet 90652, MedGen C1844696, MONDO:0010571, OMIM 304120.
Heterotopia, periventricular, X-linked dominant (PVNH1). Also called: X-linked periventricular heterotopia; PERIVENTRICULAR NODULAR HETEROTOPIA 1; PERIVENTRICULAR NODULAR HETEROTOPIA 4; HETEROTOPIA, PERIVENTRICULAR, 1. Identifiers: Orphanet 2149, Orphanet 82004, MedGen C1848213, MONDO:0010233, OMIM 300049.
Frontometaphyseal dysplasia (FMD1). Identifiers: Orphanet 1826, MedGen C0265293, MONDO:0015942.
Melnick-Needles syndrome (MNS). Also called: Melnick-Needles Syndrome (FLNA-MNS); MELNICK-NEEDLES OSTEODYSPLASTY; OSTEODYSPLASTY OF MELNICK AND NEEDLES. Identifiers: Orphanet 2484, MedGen C0025237, MONDO:0010650, OMIM 309350.
Connective tissue disorder. Also called: Connective tissue disease. Identifiers: MedGen C0009782, MONDO:0003900.

Allele frequency attached by ClinVar (database versions not stated): 1000 Genomes Project 30x 0.00042; ExAC 0.00050; gnomAD exomes 0.00055 and 0.00171; gnomAD 0.00078 and 0.00080; TOPMed 0.00080; ESP Exome Variant Server 0.00142.
gnomAD v4.1: 1,901 of 1,203,224 alleles (0.16%); highest among the groups gnomAD compares: Non-Finnish European, 0.21%; no homozygotes.

Submissions (8):

Labcorp Genetics (formerly Invitae), Labcorp
Classification: Benign for Oto-palato-digital syndrome, type II; Heterotopia, periventricular, X-linked dominant; Frontometaphyseal dysplasia; Melnick-Needles syndrome. Last evaluated: 2026-02-04. Review status: criteria provided, single submitter. Criteria: Invitae Variant Classification Sherloc (09022015). Collection method: clinical testing. Allele origin: germline.

ARUP Laboratories, Molecular Genetics and Genomics, ARUP Laboratories
Classification: Likely benign. Last evaluated: 2025-07-29. Review status: criteria provided, single submitter. Criteria: ARUP Molecular Germline Variant Investigation Process 2024. Collection method: clinical testing. Allele origin: germline.

Blueprint Genetics
Classification: Likely benign. Last evaluated: 2024-09-10. Review status: criteria provided, single submitter. Criteria: ACMG Guidelines, 2015. Collection method: clinical testing. Allele origin: germline.

Women's Health and Genetics/Laboratory Corporation of America, LabCorp
Classification: Benign. Last evaluated: 2023-07-29. Review status: criteria provided, single submitter. Criteria: LabCorp Variant Classification Summary - May 2015. Collection method: clinical testing. Allele origin: germline.

Center for Human Genetics, Inc
Classification: Likely benign for Connective tissue disorder. Last evaluated: 2016-11-01. Review status: criteria provided, single submitter. Criteria: ACMG Guidelines, 2015. Collection method: clinical testing. Allele origin: germline. Affected: yes.

GeneDx
Classification: Benign. Last evaluated: 2014-11-05. Review status: criteria provided, single submitter. Criteria: GeneDx Variant Classification (06012015). Collection method: clinical testing. Allele origin: germline. Affected: yes.
Comment: This variant is considered likely benign or benign based on one or more of the following criteria: it is a conservative change, it occurs at a poorly conserved position in the protein, it is predicted to be benign by multiple in silico algorithms, and/or has population frequency not consistent with disease.

Clinical Genetics DNA and cytogenetics Diagnostics Lab, Erasmus MC, Erasmus Medical Center
Classification: Benign. Review status: no assertion criteria provided. Collection method: clinical testing. Allele origin: germline. Affected: yes. Study: VKGL Data-share Consensus. Not counted in ClinVar's aggregate classification.

Genome Diagnostics Laboratory, University Medical Center Utrecht
Classification: Benign. Review status: no assertion criteria provided. Collection method: clinical testing. Allele origin: germline. Affected: yes. Study: VKGL Data-share Consensus. Not counted in ClinVar's aggregate classification.

NM_001110556.2(FLNA):c.3805+16G>A

Gene: FLNA (filamin A; minus strand). Cytogenetic location: Xq28.
Variant type: single nucleotide variant.
Coding change: c.3805+16G>A on transcript NM_001110556.2 (MANE Select); 16 bases into the intron after coding-DNA position 3805, G replaced by A.
Molecular consequence: intron variant.
Genome position (GRCh38, 1-based): chrX:154,359,974, C>T on the plus strand (G>A on the coding strand, the complement: FLNA is on the minus strand). VCF-style: chrX-154359974-C-T. GRCh37 (hg19) VCF-style: chrX-153588342-C-T.
Other names: c.3805+16G>A (NM_001456.4).
Identifiers: ClinVar variation 213447 (VCV000213447.24), dbSNP rs201016252, ClinGen allele CA325157.
Genomic context (GRCh38, chrX:154,359,974, plus strand): 5'-GCACAGAGAGGAGGCTTGGGGCTCGGGGGTTCTGGTCCCTGTCCCCCGTCACATACCCCA[C>T]GGCAGGGCAACTCACCCTGGCCCTCAATACCAGGCCCATAGCACTGGACACCGGAAGTGT-3'